The following is an entry in ClinVar:

NM_000264.5(PTCH1):c.2717G>T (p.Arg906Leu)

Gene: PTCH1 (patched 1; minus strand). Cytogenetic location: 9q22.32.
Variant type: single nucleotide variant.
Coding change: c.2717G>T on transcript NM_000264.5 (MANE Select); coding-DNA position 2717, G replaced by T.
Protein change: p.Arg906Leu; replaces arginine 906 with leucine.
Molecular consequence: missense variant. On other transcripts: non-coding transcript variant (1).
Genome position (GRCh38, 1-based): chr9:95,459,770, C>A on the plus strand (G>T on the coding strand, the complement: PTCH1 is on the minus strand). VCF-style: chr9-95459770-C-A. GRCh37 (hg19) VCF-style: chr9-98222052-C-A.
Other names: c.2519G>T, p.Arg840Leu (NM_001083602.3); c.2714G>T, p.Arg905Leu (NM_001083603.3); c.2264G>T, p.Arg755Leu (NM_001083604.3, NM_001083605.3, NM_001083606.3 and 1 more transcripts); c.2561G>T, p.Arg854Leu (NM_001354918.2); short protein forms R755L, R840L, R854L, R905L, R906L.
Identifiers: ClinVar variation 4862643 (VCV004862643.2).
Genomic context (GRCh38, chr9:95,459,770, plus strand): 5'-CAAGCCGTCAGGTAGATGTAGAAAGCGCTGGGATTAATGATGCCATCTGCATCCACCAGA[C>A]GCTGTTTAGTCAACTACAAAAACGGGAAGAACAGAGGCCTTTGAGAATGGGGTTGGGGGT-3'
Protein context (NP_000255.2, residues 896-916): PIDISQLTKQ[Arg906Leu]LVDADGIINP

ClinVar aggregate classification (germline): Uncertain significance (1 of 4 stars; one submission).

Conditions:
Hereditary cancer-predisposing syndrome. Also called: Neoplastic Syndromes, Hereditary; Tumor predisposition; Hereditary Cancer Syndrome; Hereditary neoplastic syndrome. Identifiers: Orphanet 140162, MedGen C0027672, MeSH D009386, MONDO:0015356.

Submission:

Ambry Genetics
Classification: Uncertain significance for Hereditary cancer-predisposing syndrome. Last evaluated: 2026-07-30. Review status: criteria provided, single submitter. Criteria: Ambry Variant Classification Scheme 2023. Collection method: clinical testing. Allele origin: germline.
Comment: The p.R906L variant (also known as c.2717G>T), located in coding exon 17 of the PTCH1 gene, results from a G to T substitution at nucleotide position 2717. The arginine at codon 906 is replaced by leucine, an amino acid with dissimilar properties. This amino acid position is conserved. In addition, this alteration is predicted to be deleterious by in silico analysis. Based on the available evidence, the clinical significance of this variant remains unclear.